The following is an entry in ClinVar:

NM_025144.4(ALPK1):c.1030C>T (p.Pro344Ser)

Gene: ALPK1 (alpha kinase 1; plus strand). Cytogenetic location: 4q25.
Variant type: single nucleotide variant.
Coding change: c.1030C>T on transcript NM_025144.4 (MANE Select); coding-DNA position 1030, C replaced by T.
Protein change: p.Pro344Ser; replaces proline 344 with serine.
Molecular consequence: missense variant.
Genome position (GRCh38, 1-based): chr4:112,430,577, C>T. VCF-style: chr4-112430577-C-T. GRCh37 (hg19) VCF-style: chr4-113351733-C-T.
Other names: c.1030C>T (NM_025144.3); c.1030C>T, p.Pro344Ser (NM_001102406.2); c.796C>T, p.Pro266Ser (NM_001253884.2); short protein forms P266S, P344S.
Identifiers: ClinVar variation 2745905 (VCV002745905.4), dbSNP rs2476502570, ClinGen allele CA357893154.

ClinVar aggregate classification (germline): Uncertain significance. Review status: criteria provided, multiple submitters, no conflicts (2 of 4 stars). 2 submissions from 2 submitters: Uncertain significance (2). Last evaluated 2024-04-24.

Allele frequency attached by ClinVar (database versions not stated): gnomAD exomes below 0.00001.

Submissions (2):

GeneDx
Classification: Uncertain significance. Last evaluated: 2024-04-24. Review status: criteria provided, single submitter. Criteria: GeneDx Variant Classification Process June 2021. Collection method: clinical testing. Allele origin: germline. Affected: yes.
Comment: Not observed at significant frequency in large population cohorts (gnomAD); In silico analysis indicates that this missense variant does not alter protein structure/function; Has not been previously published as pathogenic or benign to our knowledge.

Labcorp Genetics (formerly Invitae), Labcorp
Classification: Uncertain significance. Last evaluated: 2023-07-22. Review status: criteria provided, single submitter. Criteria: Invitae Variant Classification Sherloc (09022015). Collection method: clinical testing. Allele origin: germline.
Comment: This sequence change replaces proline, which is neutral and non-polar, with serine, which is neutral and polar, at codon 344 of the ALPK1 protein (p.Pro344Ser). This variant is not present in population databases (gnomAD no frequency). This variant has not been reported in the literature in individuals affected with ALPK1-related conditions. Advanced modeling of protein sequence and biophysical properties (such as structural, functional, and spatial information, amino acid conservation, physicochemical variation, residue mobility, and thermodynamic stability) performed at Invitae indicates that this missense variant is not expected to disrupt ALPK1 protein function. In summary, the available evidence is currently insufficient to determine the role of this variant in disease. Therefore, it has been classified as a Variant of Uncertain Significance.